The following is an entry in ClinVar:

ClinVar aggregate classification (germline): Uncertain significance (1 of 4 stars; one submission).

Conditions:
Autosomal recessive limb-girdle muscular dystrophy type 2W (MDRCMTT). Also called: Muscular dystrophy, limb-girdle, type 2W; Muscular dystrophy, autosomal recessive, with cardiomyopathy and triangular tongue. Identifiers: MedGen C4225192, MONDO:0014788, OMIM 616827.

gnomAD v4.1: 7 of 1,230,210 alleles (0.00057%); highest among the groups gnomAD compares: South Asian, 0.025%; no homozygotes.

Submission:

Labcorp Genetics (formerly Invitae), Labcorp
Classification: Uncertain significance for Muscular dystrophy, limb-girdle, type 2W. Last evaluated: 2019-01-23. Review status: criteria provided, single submitter. Criteria: Invitae Variant Classification Sherloc (09022015). Collection method: clinical testing. Allele origin: germline.
Comment: This sequence change affects codon 2 of the LIMS2 mRNA. It is a 'silent' change, meaning that it does not change the encoded amino acid sequence of the LIMS2 protein. The frequency data for this variant in the population databases is considered unreliable, as metrics indicate insufficient coverage at this position in the ExAC database. This variant has not been reported in the literature in individuals with LIMS2-related conditions. Algorithms developed to predict the effect of sequence changes on RNA splicing suggest that this variant may create or strengthen a splice site, but this prediction has not been confirmed by published transcriptional studies. In summary, the available evidence is currently insufficient to determine the role of this variant in disease. Therefore, it has been classified as a Variant of Uncertain Significance.

NM_001161403.3(LIMS2):c.6G>A (p.Thr2=)

Gene: LIMS2 (LIM zinc finger domain containing 2; minus strand). Cytogenetic location: 2q14.3.
Variant type: single nucleotide variant.
Coding change: c.6G>A on transcript NM_001161403.3 (MANE Select); coding-DNA position 6, G replaced by A.
Protein change: p.Thr2=; no amino-acid change (threonine 2 retained).
Molecular consequence: synonymous variant. On other transcripts: intron variant (1).
Genome position (GRCh38, 1-based): chr2:127,675,019, C>T on the plus strand (G>A on the coding strand, the complement: LIMS2 is on the minus strand). VCF-style: chr2-127675019-C-T. GRCh37 (hg19) VCF-style: chr2-128432593-C-T.
Other names: c.6G>A, p.Thr2= (NM_001136037.4); c.-5+6301G>A (NM_001161404.2).
Identifiers: ClinVar variation 862994 (VCV000862994.1), dbSNP rs1685444261, ClinGen allele CA428621312.